The following is an entry in ClinVar:

ClinVar aggregate classification (germline): Uncertain significance (1 of 4 stars; one submission).

Submission:

Labcorp Genetics (formerly Invitae), Labcorp
Classification: Uncertain significance. Last evaluated: 2025-04-16. Review status: criteria provided, single submitter. Criteria: Invitae Variant Classification Sherloc (09022015). Collection method: clinical testing. Allele origin: germline.
Comment: This sequence change replaces leucine, which is neutral and non-polar, with proline, which is neutral and non-polar, at codon 1870 of the MCM3AP protein (p.Leu1870Pro). This variant is not present in population databases (gnomAD no frequency). This variant has not been reported in the literature in individuals affected with MCM3AP-related conditions. An algorithm developed to predict the effect of missense changes on protein structure and function (PolyPhen-2) suggests that this variant is likely to be disruptive. In summary, the available evidence is currently insufficient to determine the role of this variant in disease. Therefore, it has been classified as a Variant of Uncertain Significance.

NM_003906.5(MCM3AP):c.5609T>C (p.Leu1870Pro)

Genes: MCM3AP (minichromosome maintenance complex component 3 associated protein; minus strand), MCM3AP-AS1 (MCM3AP antisense RNA 1; plus strand). Cytogenetic location: 21q22.3.
Variant type: single nucleotide variant.
Coding change: c.5609T>C on transcript NM_003906.5 (MANE Select); coding-DNA position 5609, T replaced by C.
Protein change: p.Leu1870Pro; replaces leucine 1870 with proline.
Molecular consequence: missense variant. On other transcripts: non-coding transcript variant (3).
Genome position (GRCh38, 1-based): chr21:46,240,835, A>G on the plus strand (T>C on the coding strand, the complement: MCM3AP is on the minus strand). VCF-style: chr21-46240835-A-G. GRCh37 (hg19) VCF-style: chr21-47660749-A-G.
Other names: short protein forms L1870P.
Identifiers: ClinVar variation 4714342 (VCV004714342.1).